The following is an entry in ClinVar:

NM_001143986.2(TLE6):c.628C>T (p.Pro210Ser)

Gene: TLE6 (TLE family member 6, subcortical maternal complex member; plus strand). Cytogenetic location: 19p13.3.
Variant type: single nucleotide variant.
Coding change: c.628C>T on transcript NM_001143986.2 (MANE Select); coding-DNA position 628, C replaced by T.
Protein change: p.Pro210Ser; replaces proline 210 with serine.
Molecular consequence: missense variant.
Genome position (GRCh38, 1-based): chr19:2,987,900, C>T. VCF-style: chr19-2987900-C-T. GRCh37 (hg19) VCF-style: chr19-2987898-C-T.
Other names: c.259C>T, p.Pro87Ser (NM_024760.3); short protein forms P210S, P87S.
Identifiers: ClinVar variation 2498746 (VCV002498746.28), dbSNP rs45508491, ClinGen allele CA9072759.

ClinVar aggregate classification (germline): Uncertain significance (1 of 4 stars; one submission).

Allele frequency attached by ClinVar (database versions not stated): 1000 Genomes Project 0.00060; 1000 Genomes Project 30x 0.00109; TOPMed 0.00114; ESP Exome Variant Server 0.00131; gnomAD 0.00134; ExAC 0.00191; gnomAD exomes 0.00211.
gnomAD v4.1: 3,265 of 1,609,748 alleles (0.2%); highest among the groups gnomAD compares: Non-Finnish European, 0.25%; 3 homozygotes.

Submission:

CeGaT Center for Human Genetics Tuebingen
Classification: Uncertain significance. Last evaluated: 2023-02-01. Review status: criteria provided, single submitter. Criteria: CeGaT Center For Human Genetics Tuebingen Variant Classification Criteria Version 2. Collection method: clinical testing. Allele origin: germline. Affected: yes. Observed: 1 variant allele.
Comment: TLE6: PM2, BP4